The following is an entry in ClinVar:

NM_133433.4(NIPBL):c.1540G>T (p.Ala514Ser)

Gene: NIPBL (NIPBL cohesin loading factor; plus strand). Cytogenetic location: 5p13.2.
Variant type: single nucleotide variant.
Coding change: c.1540G>T on transcript NM_133433.4 (MANE Select); coding-DNA position 1540, G replaced by T.
Protein change: p.Ala514Ser; replaces alanine 514 with serine.
Molecular consequence: missense variant.
Genome position (GRCh38, 1-based): chr5:36,984,720, G>T. VCF-style: chr5-36984720-G-T. GRCh37 (hg19) VCF-style: chr5-36984822-G-T.
Other names: c.1540G>T, p.Ala514Ser (NM_001438586.1, NM_015384.5); short protein forms A514S.
Identifiers: ClinVar variation 4626157 (VCV004626157.1).

ClinVar aggregate classification (germline): Uncertain significance (1 of 4 stars; one submission).

Conditions:
Inborn genetic diseases. Identifiers: MedGen C0950123, MeSH D030342.

gnomAD v4.1: 6 of 1,612,484 alleles (0.00037%); highest among the groups gnomAD compares: East Asian, 0.013%; no homozygotes.

Submission:

Ambry Genetics
Classification: Uncertain significance for Inborn genetic diseases. Last evaluated: 2025-10-21. Review status: criteria provided, single submitter. Criteria: Ambry Variant Classification Scheme 2023. Collection method: clinical testing. Allele origin: germline.
Comment: The c.1540G>T (p.A514S) alteration is located in exon 10 (coding exon 9) of the NIPBL gene. This alteration results from a G to T substitution at nucleotide position 1540, causing the alanine (A) at amino acid position 514 to be replaced by a serine (S). Based on data from gnomAD, the T allele has an overall frequency of <0.001% (1/249458) total alleles studied. The highest observed frequency was 0.005% (1/18362) of East Asian alleles. Based on insufficient or conflicting evidence, the clinical significance of this alteration remains unclear.